The following is an entry in ClinVar:

NM_152564.5(VPS13B):c.8243C>T (p.Ser2748Leu)

Gene: VPS13B (vacuolar protein sorting 13 homolog B; plus strand). Cytogenetic location: 8q22.2.
Variant type: single nucleotide variant.
Coding change: c.8243C>T on transcript NM_152564.5 (MANE Select); coding-DNA position 8243, C replaced by T.
Protein change: p.Ser2748Leu; replaces serine 2748 with leucine.
Molecular consequence: missense variant.
Genome position (GRCh38, 1-based): chr8:99,817,685, C>T. VCF-style: chr8-99817685-C-T. GRCh37 (hg19) VCF-style: chr8-100829913-C-T.
Other names: c.8318C>T, p.Ser2773Leu (NM_017890.5); short protein forms S2748L, S2773L.
Identifiers: ClinVar variation 68093 (VCV000068093.6), dbSNP rs180177370, ClinGen allele CA284811.
Genomic context (GRCh38, chr8:99,817,685, plus strand): 5'-ATGGACAAGCTGTAGTTCGGGAACATTTTGACTGCCTCACAGCCAAACAGAAATTGCCTT[C>T]GTACATACTAGAAAACAATGAACTGACGGAGCTGTGTGTGAAGGCCAAAGGAGATGAAGA-3'
Protein context (NP_689777.3, residues 2738-2758): DCLTAKQKLP[Ser2748Leu]YILENNELTE

ClinVar aggregate classification (germline): Conflicting classifications of pathogenicity. Review status: criteria provided, conflicting classifications (1 of 4 stars). 4 submissions from 4 submitters: Likely pathogenic (2); Uncertain significance (1). 1 of the submissions does not count toward it. Last evaluated 2025-11-21.

Conditions:
Cohen syndrome (COH1). Also called: PEPPER SYNDROME; Cutis verticis gyrata, retinitis pigmentosa, and sensorineural deafness. Identifiers: Orphanet 193, MedGen C0265223, MONDO:0008999, OMIM 216550.

gnomAD v4.1: 15 of 1,614,014 alleles (0.00093%); highest among the groups gnomAD compares: Non-Finnish European, 0.0012%; no homozygotes.

Submissions (4):

Natera, Inc.
Classification: Likely pathogenic for Cohen syndrome. Last evaluated: 2025-11-21. Review status: criteria provided, single submitter. Criteria: Natera Variant Classification Schema (03/2026). Collection method: clinical testing. Allele origin: germline.
Comment: The c.8318C>T variant in VPS13B is a missense variant predicted to cause substitution of serine to leucine at amino acid 2773. This variant is rare in the general population with a frequency below the threshold expected for the associated phenotype(s). This variant has been observed in one or more individuals affected with the associated recessive disease, as either homozygous or compound heterozygous with a second variant (PMID: 16648375). Additionally, this variant has been observed to segregate in affected family members (PMID: 16648375). Computational prediction algorithms indicate this variant is likely to affect gene or protein function. Given the available evidence, this variant is classified as Likely Pathogenic.

Labcorp Genetics (formerly Invitae), Labcorp
Classification: Likely pathogenic for Cohen syndrome. Last evaluated: 2024-04-25. Review status: criteria provided, single submitter. Criteria: Invitae Variant Classification Sherloc (09022015). Collection method: clinical testing. Allele origin: germline.
Comment: This sequence change replaces serine, which is neutral and polar, with leucine, which is neutral and non-polar, at codon 2773 of the VPS13B protein (p.Ser2773Leu). This variant is not present in population databases (gnomAD no frequency). This missense change has been observed in individuals with Cohen syndrome (PMID: 16648375). It has also been observed to segregate with disease in related individuals. ClinVar contains an entry for this variant (Variation ID: 68093). Advanced modeling of protein sequence and biophysical properties (such as structural, functional, and spatial information, amino acid conservation, physicochemical variation, residue mobility, and thermodynamic stability) performed at Invitae indicates that this missense variant is expected to disrupt VPS13B protein function with a positive predictive value of 80%. In summary, the currently available evidence indicates that the variant is pathogenic, but additional data are needed to prove that conclusively. Therefore, this variant has been classified as Likely Pathogenic.

Institute of Human Genetics, University of Leipzig Medical Center
Classification: Uncertain significance for Cohen syndrome. Last evaluated: 2021-02-26. Review status: criteria provided, single submitter. Criteria: ACMG Guidelines, 2015. Collection method: clinical testing. Allele origin: unknown. Affected: yes.

SNPedia
Classification: Pathogenic. Review status: no assertion criteria provided. Collection method: not provided. Allele origin: germline. Not counted in ClinVar's aggregate classification.
ClinVar note: Converted during submission from pathogenic to Pathogenic.

Literature cited by the submitters: PubMed 16648375 (cited by Natera, Inc. and Labcorp Genetics (formerly Invitae), Labcorp).